The following is an entry in ClinVar:

ClinVar aggregate classification (germline): Uncertain significance (1 of 4 stars; one submission).

Conditions:
Gorlin syndrome. Also called: Nevoid Basal Cell Carcinoma Syndrome; Basal cell nevus syndrome. Identifiers: Orphanet 377, MedGen C0004779, MONDO:0007187.

Submission:

Labcorp Genetics (formerly Invitae), Labcorp
Classification: Uncertain significance for Gorlin syndrome. Last evaluated: 2024-03-12. Review status: criteria provided, single submitter. Criteria: Invitae Variant Classification Sherloc (09022015). Collection method: clinical testing. Allele origin: germline.
Comment: This sequence change replaces leucine, which is neutral and non-polar, with arginine, which is basic and polar, at codon 1162 of the PTCH1 protein (p.Leu1162Arg). This variant is not present in population databases (gnomAD no frequency). This variant has not been reported in the literature in individuals affected with PTCH1-related conditions. Advanced modeling of protein sequence and biophysical properties (such as structural, functional, and spatial information, amino acid conservation, physicochemical variation, residue mobility, and thermodynamic stability) has been performed at Invitae for this missense variant, however the output from this modeling did not meet the statistical confidence thresholds required to predict the impact of this variant on PTCH1 protein function. In summary, the available evidence is currently insufficient to determine the role of this variant in disease. Therefore, it has been classified as a Variant of Uncertain Significance.

NM_000264.5(PTCH1):c.3485T>G (p.Leu1162Arg)

Gene: PTCH1 (patched 1; minus strand). Cytogenetic location: 9q22.32.
Variant type: single nucleotide variant.
Coding change: c.3485T>G on transcript NM_000264.5 (MANE Select); coding-DNA position 3485, T replaced by G.
Protein change: p.Leu1162Arg; replaces leucine 1162 with arginine.
Molecular consequence: missense variant. On other transcripts: non-coding transcript variant (1).
Genome position (GRCh38, 1-based): chr9:95,449,905, A>C on the plus strand (T>G on the coding strand, the complement: PTCH1 is on the minus strand). VCF-style: chr9-95449905-A-C. GRCh37 (hg19) VCF-style: chr9-98212187-A-C.
Other names: c.3287T>G, p.Leu1096Arg (NM_001083602.3); c.3482T>G, p.Leu1161Arg (NM_001083603.3); c.3032T>G, p.Leu1011Arg (NM_001083604.3, NM_001083605.3, NM_001083606.3 and 1 more transcripts); c.3329T>G, p.Leu1110Arg (NM_001354918.2); short protein forms L1011R, L1096R, L1110R, L1161R, L1162R.
Identifiers: ClinVar variation 3635838 (VCV003635838.2).